The following is an entry in ClinVar:

NM_138691.3(TMC1):c.128_138del (p.Lys43fs)

Gene: TMC1 (transmembrane channel like 1; plus strand). Cytogenetic location: 9q21.13.
Variant type: Deletion.
Coding change: c.128_138del on transcript NM_138691.3 (MANE Select); coding-DNA positions 128 to 138, 11 bases deleted (AACGGACCAGA).
Protein change: p.Lys43fs; shifts the reading frame from lysine 43.
Molecular consequence: frameshift variant.
Genome position (GRCh38, 1-based): chr9:72,694,606-72,694,616, AACGGACCAGA deleted; deleting any 11 consecutive bases within chr9:72,694,604-72,694,616 gives the same sequence; the c. name uses the placement nearest the transcript's 3' end. VCF-style (leftmost placement, unchanged base first): chr9-72694603-GGAAACGGACCA-G. GRCh37 (hg19) VCF-style: chr9-75309519-GGAAACGGACCA-G.
Other names: short protein forms K43fs.
Identifiers: ClinVar variation 3601886 (VCV003601886.1).

ClinVar aggregate classification (germline): Pathogenic (1 of 4 stars; one submission).

Conditions:
Autosomal recessive nonsyndromic hearing loss 7. Also called: DEAFNESS, AUTOSOMAL RECESSIVE 11. Identifiers: Orphanet 90636, MedGen C1832978, MONDO:0010967, OMIM 600974.

Submission:

Institute of Rare Diseases, West China Hospital, Sichuan University
Classification: Pathogenic for Autosomal recessive nonsyndromic hearing loss 7. Last evaluated: 2025-01-09. Review status: criteria provided, single submitter. Criteria: ClinGen HL ACMG Specifications v1. Collection method: research. Allele origin: germline. Affected: yes.
Comment: PVS1;PM3;PM2_Supporting